The following is an entry in ClinVar:

ClinVar aggregate classification (germline): Uncertain significance (1 of 4 stars; one submission).

Conditions:
Von Hippel-Lindau syndrome (VHLS). Also called: von Hippel–Lindau syndrome; VHL syndrome; Von Hippel-Lindau. Identifiers: Orphanet 892, MedGen C0019562, MONDO:0008667, OMIM 193300. Disease mechanism: loss of function.

Submission:

Women's Health and Genetics/Laboratory Corporation of America, LabCorp
Classification: Uncertain significance for Von Hippel-Lindau Syndrome. Last evaluated: 2011-08-18. Review status: criteria provided, single submitter. Criteria: LabCorp Variant Classification Summary - May 2015. Collection method: curation. Allele origin: germline. Inheritance: autosomal unknown. Affected: yes.
ClinVar note: Converted during submission from uncertain to Uncertain significance.

NM_000551.4(VHL):c.464-117del

Genes: VHL (von Hippel-Lindau tumor suppressor; plus strand), LOC107303340 (3p25 von Hippel-Lindau tumor suppressor, E3 ubiquitin protein ligase Alu-mediated recombination region; plus strand). Cytogenetic location: 3p25.3.
Variant type: Deletion.
Coding change: c.464-117del on transcript NM_000551.4 (MANE Select); 117 bases into the intron before coding-DNA position 464, one base deleted (T; older notation c.464-117delT).
Molecular consequence: intron variant.
Genome position (GRCh38, 1-based): chr3:10,149,670, T deleted; the last of 7 consecutive T bases (chr3:10,149,664-10,149,670); deleting any one gives the same sequence. VCF-style (leftmost placement, unchanged base first): chr3-10149663-CT-C. GRCh37 (hg19) VCF-style: chr3-10191347-CT-C.
Other names: c.464-117delT (NM_000551.3); c.*18-117del (NM_001354723.2); c.341-117del (NM_198156.3).
Identifiers: ClinVar variation 36904 (VCV000036904.3), dbSNP rs193922612, ClinGen allele CA020384.
Genomic context (GRCh38, chr3:10,149,663, plus strand): 5'-ACACCATGAGGTGTCCATAGGGGGCCATCAGCATAACACACTGCCACATACATGCACTCA[CT>C]TTTTTTCTTTAACCTAAAGTGAGATCCATCAGTAGTACAGGTAGTTGTTGGCAAAGCCTC-3'